The following is an entry in ClinVar:

NM_001282531.3(ADNP):c.1190C>T (p.Ala397Val)

Gene: ADNP (activity dependent neuroprotector homeobox; minus strand). Cytogenetic location: 20q13.13.
Variant type: single nucleotide variant.
Coding change: c.1190C>T on transcript NM_001282531.3 (MANE Select); coding-DNA position 1190, C replaced by T.
Protein change: p.Ala397Val; replaces alanine 397 with valine.
Molecular consequence: missense variant.
Genome position (GRCh38, 1-based): chr20:50,893,524, G>A on the plus strand (C>T on the coding strand, the complement: ADNP is on the minus strand). VCF-style: chr20-50893524-G-A. GRCh37 (hg19) VCF-style: chr20-49510061-G-A.
Other names: c.1190C>T, p.Ala397Val (NM_001282532.2, NM_001347511.2, NM_015339.5 and 1 more transcripts); short protein forms A397V.
Identifiers: ClinVar variation 3699846 (VCV003699846.2).

ClinVar aggregate classification (germline): Uncertain significance (1 of 4 stars; one submission).

Submission:

Labcorp Genetics (formerly Invitae), Labcorp
Classification: Uncertain significance. Last evaluated: 2024-08-20. Review status: criteria provided, single submitter. Criteria: Invitae Variant Classification Sherloc (09022015). Collection method: clinical testing. Allele origin: germline.
Comment: This sequence change replaces alanine, which is neutral and non-polar, with valine, which is neutral and non-polar, at codon 397 of the ADNP protein (p.Ala397Val). This variant is present in population databases (rs757004037, gnomAD 0.03%). This variant has not been reported in the literature in individuals affected with ADNP-related conditions. An algorithm developed to predict the effect of missense changes on protein structure and function (PolyPhen-2) suggests that this variant is likely to be tolerated. In summary, the available evidence is currently insufficient to determine the role of this variant in disease. Therefore, it has been classified as a Variant of Uncertain Significance.